The following is an entry in ClinVar:

ClinVar aggregate classification (germline): Conflicting classifications of pathogenicity. Review status: criteria provided, conflicting classifications (1 of 4 stars). 3 submissions from 3 submitters: Uncertain significance (2); Likely benign (1). Last evaluated 2023-03-23.

Conditions:
Hereditary cancer-predisposing syndrome. Also called: Hereditary neoplastic syndrome; Tumor predisposition; Neoplastic Syndromes, Hereditary; Hereditary Cancer Syndrome. Identifiers: Orphanet 140162, MedGen C0027672, MeSH D009386, MONDO:0015356.
Hereditary breast ovarian cancer syndrome. Also called: Hereditary breast and ovarian cancer; Breast and ovarian cancer; BRCA1- and BRCA2-Associated Hereditary Breast and Ovarian Cancer; Hereditary breast and/or ovarian cancer syndrome; Hereditary breast and ovarian cancer syndrome; Hereditary breast and ovarian cancer syndrome (HBOC). Identifiers: Orphanet 145, MedGen C0677776, MeSH D061325, MONDO:0003582. Disease mechanism: loss of function.

gnomAD v4.1: 1 of 1,602,564 alleles (0.000062%); highest among the groups gnomAD compares: African/African-American, 0.0013%; no homozygotes.

Submissions (3):

University of Washington Department of Laboratory Medicine, University of Washington
Classification: Likely benign for Hereditary cancer-predisposing syndrome. Last evaluated: 2023-03-23. Review status: criteria provided, single submitter. Criteria: Dines et al. (Genet Med. 2020). Collection method: curation. Allele origin: germline.
Comment: Missense variant in a coldspot region where missense variants are very unlikely to be pathogenic (PMID:31911673).

BRCA2 exon 11 coldspot. Reclassification based on statistical prior probability.

Ambry Genetics
Classification: Uncertain significance for Hereditary cancer-predisposing syndrome. Last evaluated: 2022-06-09. Review status: criteria provided, single submitter. Criteria: Ambry Variant Classification Scheme 2023. Collection method: clinical testing. Allele origin: germline.
Comment: The p.S1262L variant (also known as c.3785C>T), located in coding exon 10 of the BRCA2 gene, results from a C to T substitution at nucleotide position 3785. The serine at codon 1262 is replaced by leucine, an amino acid with dissimilar properties. This amino acid position is not well conserved in available vertebrate species. In addition, this alteration is predicted to be tolerated by in silico analysis. Since supporting evidence is limited at this time, the clinical significance of this alteration remains unclear.

Labcorp Genetics (formerly Invitae), Labcorp
Classification: Uncertain significance for Hereditary breast ovarian cancer syndrome. Last evaluated: 2021-04-23. Review status: criteria provided, single submitter. Criteria: Invitae Variant Classification Sherloc (09022015). Collection method: clinical testing. Allele origin: germline.
Comment: In summary, the available evidence is currently insufficient to determine the role of this variant in disease. Therefore, it has been classified as a Variant of Uncertain Significance. Advanced modeling of protein sequence and biophysical properties (such as structural, functional, and spatial information, amino acid conservation, physicochemical variation, residue mobility, and thermodynamic stability) performed at Invitae indicates that this missense variant is not expected to disrupt BRCA2 protein function. This variant has not been reported in the literature in individuals with BRCA2-related conditions. This variant is not present in population databases (ExAC no frequency). This sequence change replaces serine with leucine at codon 1262 of the BRCA2 protein (p.Ser1262Leu). The serine residue is weakly conserved and there is a large physicochemical difference between serine and leucine.

NM_000059.4(BRCA2):c.3785C>T (p.Ser1262Leu)

Gene: BRCA2 (BRCA2 DNA repair associated; plus strand). Cytogenetic location: 13q13.1.
Variant type: single nucleotide variant.
Coding change: c.3785C>T on transcript NM_000059.4 (MANE Select); coding-DNA position 3785, C replaced by T.
Protein change: p.Ser1262Leu; replaces serine 1262 with leucine.
Molecular consequence: missense variant.
Genome position (GRCh38, 1-based): chr13:32,338,140, C>T. VCF-style: chr13-32338140-C-T. GRCh37 (hg19) VCF-style: chr13-32912277-C-T.
Other names: short protein forms S1262L.
Identifiers: ClinVar variation 1502837 (VCV001502837.11), dbSNP rs80358620, ClinGen allele CA387778346.